The following is an entry in ClinVar:

NM_003737.4(DCHS1):c.6822C>T (p.Arg2274=)

Gene: DCHS1 (dachsous cadherin-related 1; minus strand). Cytogenetic location: 11p15.4.
Variant type: single nucleotide variant.
Coding change: c.6822C>T on transcript NM_003737.4 (MANE Select); coding-DNA position 6822, C replaced by T.
Protein change: p.Arg2274=; no amino-acid change (arginine 2274 retained).
Molecular consequence: synonymous variant.
Genome position (GRCh38, 1-based): chr11:6,625,637, G>A on the plus strand (C>T on the coding strand, the complement: DCHS1 is on the minus strand). VCF-style: chr11-6625637-G-A. GRCh37 (hg19) VCF-style: chr11-6646868-G-A.
Other names: c.6822C>T (NM_003737.3).
Identifiers: ClinVar variation 1625122 (VCV001625122.33), dbSNP rs746316145, ClinGen allele CA5859761.

ClinVar aggregate classification (germline): Likely benign. Review status: criteria provided, multiple submitters, no conflicts (2 of 4 stars). 3 submissions from 3 submitters: Likely benign (3). Last evaluated 2025-12-08.

Conditions:
DCHS1-related disorder. Also called: DCHS1-related condition.

Allele frequency attached by ClinVar (database versions not stated): gnomAD exomes 0.00001 and 0.00003; ExAC 0.00002; TOPMed 0.00002; gnomAD 0.00003 and 0.00004.
gnomAD v4.1: 42 of 1,613,496 alleles (0.0026%); highest among the groups gnomAD compares: Non-Finnish European, 0.0034%; no homozygotes.

Submissions (3):

Labcorp Genetics (formerly Invitae), Labcorp
Classification: Likely benign. Last evaluated: 2025-12-08. Review status: criteria provided, single submitter. Criteria: Invitae Variant Classification Sherloc (09022015). Collection method: clinical testing. Allele origin: germline.

PreventionGenetics, part of Exact Sciences
Classification: Likely benign for DCHS1-related condition. Last evaluated: 2025-02-18. Review status: criteria provided, single submitter. Criteria: ACMG Guidelines, 2015. Collection method: clinical testing. Allele origin: germline.
Comment: This variant is classified as likely benign based on ACMG/AMP sequence variant interpretation guidelines (Richards et al. 2015 PMID: 25741868, with internal and published modifications).

CeGaT Center for Human Genetics Tuebingen
Classification: Likely benign. Last evaluated: 2023-12-01. Review status: criteria provided, single submitter. Criteria: CeGaT Center For Human Genetics Tuebingen Variant Classification Criteria Version 2. Collection method: clinical testing. Allele origin: germline. Affected: yes. Observed: 2 variant alleles.
Comment: DCHS1: BP4, BP7